The following is an entry in ClinVar:

NM_001378120.1(MBD5):c.2311A>G (p.Ser771Gly)

Gene: MBD5 (methyl-CpG binding domain protein 5; plus strand). Cytogenetic location: 2q23.1.
Variant type: single nucleotide variant.
Coding change: c.2311A>G on transcript NM_001378120.1 (MANE Select); coding-DNA position 2311, A replaced by G.
Protein change: p.Ser771Gly; replaces serine 771 with glycine.
Molecular consequence: missense variant.
Genome position (GRCh38, 1-based): chr2:148,470,254, A>G. VCF-style: chr2-148470254-A-G. GRCh37 (hg19) VCF-style: chr2-149227823-A-G.
Other names: c.2311A>G, p.Ser771Gly (NM_018328.5); short protein forms S771G.
Identifiers: ClinVar variation 515645 (VCV000515645.14), dbSNP rs777686665, ClinGen allele CA1900123.
Genomic context (GRCh38, chr2:148,470,254, plus strand): 5'-AACATACCTTTAAGAGGGGAAGCCGTGCACTGCCACAATGCAAACACTAACTTTGTTCAC[A>G]GTAACAGTCCAGTCCCCAACCACCATCTTGCAGGTTTAATAAATCAGATTCAGGCTAGCG-3'
Protein context (NP_001365049.1, residues 761-781): CHNANTNFVH[Ser771Gly]NSPVPNHHLA

ClinVar aggregate classification (germline): Conflicting classifications of pathogenicity. Review status: criteria provided, conflicting classifications (1 of 4 stars). 3 submissions from 3 submitters: Uncertain significance (1); Likely benign (2). Last evaluated 2025-06-06.

Conditions:
Inborn genetic diseases. Identifiers: MedGen C0950123, MeSH D030342.
Intellectual developmental disorder, autosomal dominant 1. Also called: MBD5 Haploinsufficiency; Intellectual disability, autosomal dominant 1. Identifiers: Orphanet 228402, MedGen C1969562, MONDO:0007974, OMIM 156200.

Allele frequency attached by ClinVar (database versions not stated): gnomAD 0.00001; TOPMed 0.00002; gnomAD exomes 0.00005 and 0.00003; ExAC 0.00002.
gnomAD v4.1: 76 of 1,613,886 alleles (0.0047%); highest among the groups gnomAD compares: Non-Finnish European, 0.0064%; no homozygotes.

Submissions (3):

Ambry Genetics
Classification: Likely benign for Inborn genetic diseases. Last evaluated: 2025-06-06. Review status: criteria provided, single submitter. Criteria: Ambry Variant Classification Scheme 2023. Collection method: clinical testing. Allele origin: germline.

Labcorp Genetics (formerly Invitae), Labcorp
Classification: Uncertain significance for Intellectual developmental disorder, autosomal dominant 1. Last evaluated: 2025-05-30. Review status: criteria provided, single submitter. Criteria: Invitae Variant Classification Sherloc (09022015). Collection method: clinical testing. Allele origin: germline.
Comment: This sequence change replaces serine, which is neutral and polar, with glycine, which is neutral and non-polar, at codon 771 of the MBD5 protein (p.Ser771Gly). This variant is present in population databases (rs777686665, gnomAD 0.006%). This variant has not been reported in the literature in individuals affected with MBD5-related conditions. ClinVar contains an entry for this variant (Variation ID: 515645). Invitae Evidence Modeling of protein sequence and biophysical properties (such as structural, functional, and spatial information, amino acid conservation, physicochemical variation, residue mobility, and thermodynamic stability) indicates that this missense variant is not expected to disrupt MBD5 protein function with a negative predictive value of 80%. In summary, the available evidence is currently insufficient to determine the role of this variant in disease. Therefore, it has been classified as a Variant of Uncertain Significance.

GeneDx
Classification: Likely benign. Last evaluated: 2020-12-30. Review status: criteria provided, single submitter. Criteria: GeneDx Variant Classification Process June 2021. Collection method: clinical testing. Allele origin: germline. Affected: yes.